The following is an entry in ClinVar:

ClinVar aggregate classification (germline): Pathogenic (1 of 4 stars; one submission).

Conditions:
Cardiovascular phenotype. Identifiers: MedGen CN230736.
Hereditary cancer-predisposing syndrome. Also called: Tumor predisposition; Hereditary neoplastic syndrome; Neoplastic Syndromes, Hereditary; Hereditary Cancer Syndrome. Identifiers: Orphanet 140162, MedGen C0027672, MeSH D009386, MONDO:0015356.

Submission:

Ambry Genetics
Classification: Pathogenic for Cardiovascular phenotype; Hereditary cancer-predisposing syndrome. Last evaluated: 2025-05-08. Review status: criteria provided, single submitter. Criteria: Ambry Variant Classification Scheme 2023. Collection method: clinical testing. Allele origin: germline.
Comment: The c.4610_4611delAC pathogenic mutation, located in coding exon 34 of the NF1 gene, results from a deletion of two nucleotides at nucleotide positions 4610 to 4611, causing a translational frameshift with a predicted alternate stop codon (p.H1537Lfs*5). This variant was reported in individual(s) with features consistent with Neurofibromatosis type 1 (Ambry internal data). This variant is considered to be rare based on population cohorts in the Genome Aggregation Database (gnomAD). This alteration is expected to result in loss of function by premature protein truncation or nonsense-mediated mRNA decay. As such, this alteration is interpreted as a disease-causing mutation.

NM_001042492.3(NF1):c.4673_4674del (p.His1558fs)

Gene: NF1 (neurofibromin 1; plus strand). Cytogenetic location: 17q11.2.
Variant type: Microsatellite.
Coding change: c.4673_4674del on transcript NM_001042492.3 (MANE Select); coding-DNA positions 4673 to 4674, 2 bases deleted (AC; older notation c.4673_4674delAC).
Protein change: p.His1558fs; shifts the reading frame from histidine 1558.
Molecular consequence: frameshift variant.
Genome position (GRCh38, 1-based): chr17:31,261,806-31,261,807, AC deleted; deleting any 2 consecutive bases within chr17:31,261,802-31,261,807 gives the same sequence; the c. name uses the placement nearest the transcript's 3' end. VCF-style (leftmost placement, unchanged base first): chr17-31261801-TAC-T. GRCh37 (hg19) VCF-style: chr17-29588819-TAC-T.
Other names: c.4610_4611delAC (NM_000267.3); c.4606_4607AC[2], p.His1537Leufs (NM_000267.4); short protein forms H1537fs, H1558fs.
Identifiers: ClinVar variation 4024016 (VCV004024016.1).